The following is an entry in ClinVar:

NM_001377229.1(DISP1):c.3735T>A (p.Ser1245Arg)

Gene: DISP1 (dispatched RND transporter family member 1; plus strand). Cytogenetic location: 1q41.
Variant type: single nucleotide variant.
Coding change: c.3735T>A on transcript NM_001377229.1 (MANE Select); coding-DNA position 3735, T replaced by A.
Protein change: p.Ser1245Arg; replaces serine 1245 with arginine.
Molecular consequence: missense variant.
Genome position (GRCh38, 1-based): chr1:223,005,132, T>A. VCF-style: chr1-223005132-T-A. GRCh37 (hg19) VCF-style: chr1-223178474-T-A.
Other names: c.3006T>A, p.Ser1002Arg (NM_001350630.2); c.3735T>A, p.Ser1245Arg (NM_001369594.1, NM_001377228.1, NM_032890.5); short protein forms S1245R, S1002R.
Identifiers: ClinVar variation 732505 (VCV000732505.8), dbSNP rs746964677, ClinGen allele CA1409456.

ClinVar aggregate classification (germline): Likely benign. Review status: criteria provided, multiple submitters, no conflicts (2 of 4 stars). 2 submissions from 2 submitters: Likely benign (2). Last evaluated 2026-01-22.

Conditions:
DISP1-related disorder. Also called: DISP1-related condition.

Allele frequency attached by ClinVar (database versions not stated): gnomAD 0.00009 and 0.00010; TOPMed 0.00044; ExAC 0.00047; gnomAD exomes 0.00078.
gnomAD v4.1: 230 of 1,614,020 alleles (0.014%); highest among the groups gnomAD compares: Admixed American, 0.38%; 1 homozygote.

Submissions (2):

PreventionGenetics, part of Exact Sciences
Classification: Likely benign for DISP1-related condition. Last evaluated: 2026-01-22. Review status: criteria provided, single submitter. Criteria: ACMG Guidelines, 2015. Collection method: clinical testing. Allele origin: germline.
Comment: This variant is classified as likely benign based on ACMG/AMP sequence variant interpretation guidelines (Richards et al. 2015 PMID: 25741868, with internal and published modifications).

Labcorp Genetics (formerly Invitae), Labcorp
Classification: Likely benign. Last evaluated: 2025-03-25. Review status: criteria provided, single submitter. Criteria: Invitae Variant Classification Sherloc (09022015). Collection method: clinical testing. Allele origin: germline.